The following is an entry in ClinVar:

NM_153240.4(NPHP3):c.-69A>G

Genes: NPHP3 (nephrocystin 3; minus strand), NPHP3-ACAD11 (NPHP3-ACAD11 readthrough (NMD candidate); minus strand), NPHP3-AS1 (NPHP3 antisense RNA 1; plus strand), LOC129937587 (ATAC-STARR-seq lymphoblastoid silent region 14744; plus strand). Cytogenetic location: 3q22.1.
Variant type: single nucleotide variant.
Coding change: c.-69A>G on transcript NM_153240.4; 69 bases upstream of the start codon, A replaced by G.
Molecular consequence: non-coding transcript variant (on NR_037804.1).
Genome position (GRCh38, 1-based): chr3:132,722,424, T>C on the plus strand (A>G on the coding strand, the complement: NPHP3 is on the minus strand). VCF-style: chr3-132722424-T-C. GRCh37 (hg19) VCF-style: chr3-132441268-T-C.
Identifiers: ClinVar variation 343395 (VCV000343395.11), dbSNP rs13099099, ClinGen allele CA10614903.

ClinVar aggregate classification (germline): Benign. Review status: criteria provided, multiple submitters, no conflicts (2 of 4 stars). 3 submissions from 3 submitters: Benign (2). 1 of the submissions does not count toward it. Last evaluated 2018-06-14.

Conditions:
NPHP3-related disorder. Also called: NPHP3-related disorders; NPHP3-related condition. Identifiers: MedGen CN379163.

Allele frequency attached by ClinVar (database versions not stated): gnomAD 0.49619 and 0.50945; TOPMed 0.47782; 1000 Genomes Project 0.54912.

Submissions (3):

GeneDx
Classification: Benign. Last evaluated: 2018-06-14. Review status: criteria provided, single submitter. Criteria: GeneDx Variant Classification (06012015). Collection method: clinical testing. Allele origin: germline. Affected: yes.
Comment: This variant is considered likely benign or benign based on one or more of the following criteria: it is a conservative change, it occurs at a poorly conserved position in the protein, it is predicted to be benign by multiple in silico algorithms, and/or has population frequency not consistent with disease.

Breakthrough Genomics
Classification: Benign. Review status: criteria provided, single submitter. Criteria: ACMG Guidelines, 2015. Collection method: not provided. Allele origin: germline. Inheritance: Autosomal recessive inheritance. Affected: yes.

PreventionGenetics, part of Exact Sciences
Classification: Benign for NPHP3-related condition. Last evaluated: 2020-08-10. Review status: no assertion criteria provided. Collection method: clinical testing. Allele origin: germline. Not counted in ClinVar's aggregate classification.
Comment: This variant is classified as benign based on ACMG/AMP sequence variant interpretation guidelines (Richards et al. 2015 PMID: 25741868, with internal and published modifications).